The following is an entry in ClinVar:

NM_000213.5(ITGB4):c.2918C>A (p.Thr973Asn)

Gene: ITGB4 (integrin subunit beta 4; plus strand). Cytogenetic location: 17q25.1.
Variant type: single nucleotide variant.
Coding change: c.2918C>A on transcript NM_000213.5 (MANE Select); coding-DNA position 2918, C replaced by A.
Protein change: p.Thr973Asn; replaces threonine 973 with asparagine.
Molecular consequence: missense variant.
Genome position (GRCh38, 1-based): chr17:75,742,717, C>A. VCF-style: chr17-75742717-C-A. GRCh37 (hg19) VCF-style: chr17-73738798-C-A.
Other names: c.2918C>A (NM_000213.4); c.2918C>A, p.Thr973Asn (NM_001005619.2, NM_001005731.3, NM_001321123.2); short protein forms T973N.
Identifiers: ClinVar variation 892314 (VCV000892314.10), dbSNP rs146391318, ClinGen allele CA8769620.

ClinVar aggregate classification (germline): Conflicting classifications of pathogenicity. Review status: criteria provided, conflicting classifications (1 of 4 stars). 4 submissions from 4 submitters: Uncertain significance (3); Likely benign (1). Last evaluated 2026-06-12.

Conditions:
ITGB4-related disorder. Also called: ITGB4-related condition.
Junctional epidermolysis bullosa with pyloric atresia. Also called: Epidermolysis bullosa, junctional, with pyloric atresia and aplasia cutis congenita; Epidermolysis bullosa junctionalis with pyloric atresia; APLASIA CUTIS CONGENITA WITH GASTROINTESTINAL ATRESIA; CARMI SYNDROME; EPIDERMOLYSIS BULLOSA, JUNCTIONAL 5B, WITH PYLORIC ATRESIA; ITGB4-Related Epidermolysis Bullosa with Pyloric Atresia. Identifiers: Orphanet 79403, MedGen C5676875, MONDO:0009183, OMIM 226730.

Allele frequency attached by ClinVar (database versions not stated): gnomAD exomes 0.00042 and 0.00069; ExAC 0.00048; TOPMed 0.00056; gnomAD 0.00062 and 0.00065; ESP Exome Variant Server 0.00077.
gnomAD v4.1: 1,074 of 1,613,102 alleles (0.067%); highest among the groups gnomAD compares: Non-Finnish European, 0.088%; 1 homozygote.

Submissions (4):

PreventionGenetics, part of Exact Sciences
Classification: Uncertain significance for ITGB4-related condition. Last evaluated: 2026-06-12. Review status: criteria provided, single submitter. Criteria: ACMG Guidelines, 2015. Collection method: clinical testing. Allele origin: germline.
Comment: The ITGB4 c.2918C>A variant is predicted to result in the amino acid substitution p.Thr973Asn. To our knowledge, this variant has not been reported in the literature. This variant is reported in 0.088% of alleles in individuals of European (Non-Finnish) descent in gnomAD, which is likely too common to be a primary cause of disease. Although we suspect that this variant may be benign, at this time, the clinical significance of this variant is uncertain due to the absence of conclusive functional and genetic evidence.

Labcorp Genetics (formerly Invitae), Labcorp
Classification: Likely benign. Last evaluated: 2026-01-19. Review status: criteria provided, single submitter. Criteria: Invitae Variant Classification Sherloc (09022015). Collection method: clinical testing. Allele origin: germline.

Blueprint Genetics
Classification: Uncertain significance. Last evaluated: 2024-09-13. Review status: criteria provided, single submitter. Criteria: ACMG Guidelines, 2015. Collection method: clinical testing. Allele origin: germline.

Illumina Laboratory Services, Illumina
Classification: Uncertain significance for Junctional epidermolysis bullosa with pyloric atresia. Last evaluated: 2018-01-12. Review status: criteria provided, single submitter. Criteria: ICSL Variant Classification Criteria 13 December 2019. Collection method: clinical testing. Allele origin: germline.